The following is an entry in ClinVar:

ClinVar aggregate classification (germline): Uncertain significance (1 of 4 stars; one submission).

Allele frequency attached by ClinVar (database versions not stated): gnomAD exomes below 0.00001.
gnomAD v4.1: 4 of 1,614,086 alleles (0.00025%); highest among the groups gnomAD compares: Non-Finnish European, 0.00025%; no homozygotes.

Submission:

Laboratory for Molecular Medicine, Mass General Brigham Personalized Medicine
Classification: Uncertain significance. Last evaluated: 2019-04-18. Review status: criteria provided, single submitter. Criteria: ACMG Guidelines, 2015. Collection method: clinical testing. Allele origin: germline.
Comment: The p.Glu765Lys variant in BRCA1 has not been previously reported in individuals with hereditary breast and ovarian cancer and was absent from large population studies. Computational prediction tools and conservation analysis suggest that this variant may not impact the protein, though this information is not predictive enough to rule out pathogenicity. In summary, the clinical significance of this variant is uncertain. ACMG/AMP Criteria applied: PM2, BP4.

NM_007294.4(BRCA1):c.2293G>A (p.Glu765Lys)

Gene: BRCA1 (BRCA1 DNA repair associated; minus strand). Cytogenetic location: 17q21.31.
Variant type: single nucleotide variant.
Coding change: c.2293G>A on transcript NM_007294.4 (MANE Select); coding-DNA position 2293, G replaced by A.
Protein change: p.Glu765Lys; replaces glutamic acid 765 with lysine.
Molecular consequence: missense variant. On other transcripts: intron variant (137).
Genome position (GRCh38, 1-based): chr17:43,093,238, C>T on the plus strand (G>A on the coding strand, the complement: BRCA1 is on the minus strand). VCF-style: chr17-43093238-C-T. GRCh37 (hg19) VCF-style: chr17-41245255-C-T.
Other names: c.2293G>A, p.Glu765Lys (NM_001407583.1, NM_001407585.1, NM_001407593.1 and 30 more transcripts); c.2290G>A, p.Glu764Lys (NM_001407587.1, NM_001407590.1, NM_001407591.1 and 22 more transcripts); c.2284G>A, p.Glu762Lys (NM_001407646.1, NM_001407647.1); c.2170G>A, p.Glu724Lys (NM_001407648.1, NM_001407664.1, NM_001407665.1 and 19 more transcripts); c.2167G>A, p.Glu723Lys (NM_001407649.1, NM_001407670.1, NM_001407671.1 and 11 more transcripts); c.2215G>A, p.Glu739Lys (NM_001407653.1, NM_001407654.1, NM_001407655.1 and 4 more transcripts); c.2212G>A, p.Glu738Lys (NM_001407659.1, NM_001407660.1, NM_001407661.1 and 1 more transcripts); c.2152G>A, p.Glu718Lys (NM_001407692.1, NM_001407694.1, NM_001407695.1 and 29 more transcripts); and 41 more; short protein forms E469K, E597K, E637K, E638K, E653K, E654K, E676K, E677K.
Identifiers: ClinVar variation 3075765 (VCV003075765.1), dbSNP rs80357449, ClinGen allele CA10597416.